The following is an entry in ClinVar:

ClinVar aggregate classification (germline): Uncertain significance (1 of 4 stars; one submission).

Conditions:
Joubert syndrome. Also called: CEREBELLOPARENCHYMAL DISORDER IV; JOUBERT-BOLTSHAUSER SYNDROME; Familial aplasia of the vermis. Identifiers: Orphanet 475, MedGen C5979921, MONDO:0018772.

Allele frequency attached by ClinVar (database versions not stated): ExAC 0.00001.
gnomAD v4.1: 1 of 1,613,044 alleles (0.000062%); highest among the groups gnomAD compares: Non-Finnish European, 0.000085%; no homozygotes.

Submission:

Labcorp Genetics (formerly Invitae), Labcorp
Classification: Uncertain significance for Joubert syndrome. Last evaluated: 2022-07-14. Review status: criteria provided, single submitter. Criteria: Invitae Variant Classification Sherloc (09022015). Collection method: clinical testing. Allele origin: germline.
Comment: This sequence change replaces glutamic acid, which is acidic and polar, with glutamine, which is neutral and polar, at codon 17 of the AHI1 protein (p.Glu17Gln). This variant is present in population databases (rs769488791, gnomAD 0.0009%). This variant has not been reported in the literature in individuals affected with AHI1-related conditions. Algorithms developed to predict the effect of missense changes on protein structure and function are either unavailable or do not agree on the potential impact of this missense change (SIFT: "Deleterious"; PolyPhen-2: "Probably Damaging"; Align-GVGD: "Class C0"). In summary, the available evidence is currently insufficient to determine the role of this variant in disease. Therefore, it has been classified as a Variant of Uncertain Significance.

NM_001134831.2(AHI1):c.49G>C (p.Glu17Gln)

Gene: AHI1 (Abelson helper integration site 1; minus strand). Cytogenetic location: 6q23.3.
Variant type: single nucleotide variant.
Coding change: c.49G>C on transcript NM_001134831.2 (MANE Select); coding-DNA position 49, G replaced by C.
Protein change: p.Glu17Gln; replaces glutamic acid 17 with glutamine.
Molecular consequence: missense variant.
Genome position (GRCh38, 1-based): chr6:135,490,709, C>G on the plus strand (G>C on the coding strand, the complement: AHI1 is on the minus strand). VCF-style: chr6-135490709-C-G. GRCh37 (hg19) VCF-style: chr6-135811847-C-G.
Other names: c.49G>C, p.Glu17Gln (NM_001134830.2, NM_001134832.2, NM_001350503.2 and 2 more transcripts); short protein forms E17Q.
Identifiers: ClinVar variation 2180160 (VCV002180160.1), dbSNP rs769488791, ClinGen allele CA4012968.